The following is an entry in ClinVar:

NM_000038.6(APC):c.7944A>T (p.Ala2648=)

Gene: APC (APC regulator of Wnt signaling pathway; plus strand). Cytogenetic location: 5q22.2.
Variant type: single nucleotide variant.
Coding change: c.7944A>T on transcript NM_000038.6 (MANE Select); coding-DNA position 7944, A replaced by T.
Protein change: p.Ala2648=; no amino-acid change (alanine 2648 retained).
Molecular consequence: synonymous variant.
Genome position (GRCh38, 1-based): chr5:112,843,538, A>T. VCF-style: chr5-112843538-A-T. GRCh37 (hg19) VCF-style: chr5-112179235-A-T.
Other names: c.7944A>T, p.Ala2648= (NM_001127510.3, NM_001354895.2); c.7890A>T, p.Ala2630= (NM_001127511.3); c.7998A>T, p.Ala2666= (NM_001354896.2); c.7974A>T, p.Ala2658= (NM_001354897.2); c.7869A>T, p.Ala2623= (NM_001354898.2); c.7860A>T, p.Ala2620= (NM_001354899.2); c.7821A>T, p.Ala2607= (NM_001354900.2); c.7767A>T, p.Ala2589= (NM_001354901.2); and 5 more.
Identifiers: ClinVar variation 470119 (VCV000470119.12), dbSNP rs1554088776, ClinGen allele CA446210970.

ClinVar aggregate classification (germline): Benign/Likely benign. Review status: criteria provided, multiple submitters, no conflicts (2 of 4 stars). 3 submissions from 3 submitters: Benign (1); Likely benign (2). Last evaluated 2025-09-01.

Conditions:
Hereditary cancer-predisposing syndrome. Also called: Hereditary neoplastic syndrome; Neoplastic Syndromes, Hereditary; Tumor predisposition; Hereditary Cancer Syndrome. Identifiers: Orphanet 140162, MedGen C0027672, MeSH D009386, MONDO:0015356.
Familial adenomatous polyposis 1 (FAP1). Also called: POLYPOSIS, ADENOMATOUS INTESTINAL; FAMILIAL ADENOMATOUS POLYPOSIS 1, ATTENUATED. Identifiers: MedGen C2713442, MONDO:0021056, OMIM 175100. Disease mechanism: loss of function.

Submissions (3):

Ambry Genetics
Classification: Likely benign for Hereditary cancer-predisposing syndrome. Last evaluated: 2025-09-01. Review status: criteria provided, single submitter. Criteria: Ambry Variant Classification Scheme 2023. Collection method: clinical testing. Allele origin: germline.

Myriad Genetics, Inc.
Classification: Benign for Familial adenomatous polyposis 1. Last evaluated: 2024-04-11. Review status: criteria provided, single submitter. Criteria: Myriad Autosomal Dominant, Autosomal Recessive and X-Linked Classification Criteria (2023). Collection method: clinical testing. Allele origin: unknown.
Comment: This variant is considered benign. This variant is a silent/synonymous amino acid change and it is not expected to impact splicing.

Labcorp Genetics (formerly Invitae), Labcorp
Classification: Likely benign for Familial adenomatous polyposis 1. Last evaluated: 2017-01-02. Review status: criteria provided, single submitter. Criteria: Invitae Variant Classification Sherloc (09022015). Collection method: clinical testing. Allele origin: germline.